The following is an entry in ClinVar:

ClinVar aggregate classification (germline): Benign (1 of 4 stars; one submission).

Allele frequency attached by ClinVar (database versions not stated): TOPMed 0.09777; 1000 Genomes Project 30x 0.14179; 1000 Genomes Project 0.14277; gnomAD 0.08448 and 0.08585.
gnomAD v4.1: 12,777 of 152,170 alleles (8.4%); highest among the groups gnomAD compares: African/African-American, 22%; 1,209 homozygotes.

Submission:

GeneDx
Classification: Benign. Last evaluated: 2018-06-14. Review status: criteria provided, single submitter. Criteria: GeneDx Variant Classification (06012015). Collection method: clinical testing. Allele origin: germline. Affected: yes.
Comment: This variant is considered likely benign or benign based on one or more of the following criteria: it is a conservative change, it occurs at a poorly conserved position in the protein, it is predicted to be benign by multiple in silico algorithms, and/or has population frequency not consistent with disease.

NM_018060.4(IARS2):c.2896+306T>G

Gene: IARS2 (isoleucyl-tRNA synthetase 2, mitochondrial; plus strand). Cytogenetic location: 1q41.
Variant type: single nucleotide variant.
Coding change: c.2896+306T>G on transcript NM_018060.4 (MANE Select); 306 bases into the intron after coding-DNA position 2896, T replaced by G.
Molecular consequence: intron variant.
Genome position (GRCh38, 1-based): chr1:220,145,959, T>G. VCF-style: chr1-220145959-T-G. GRCh37 (hg19) VCF-style: chr1-220319301-T-G.
Identifiers: ClinVar variation 680717 (VCV000680717.1), dbSNP rs11806086, ClinGen allele CA37533295.